The following is an entry in ClinVar:

NM_000875.5(IGF1R):c.665_666delinsTT (p.Arg222Leu)

Gene: IGF1R (insulin like growth factor 1 receptor; plus strand). Cytogenetic location: 15q26.3.
Variant type: Indel.
Coding change: c.665_666delinsTT on transcript NM_000875.5 (MANE Select); coding-DNA positions 665 to 666, GG replaced by TT.
Protein change: p.Arg222Leu; replaces arginine 222 with leucine.
Molecular consequence: missense variant.
Genome position (GRCh38, 1-based): chr15:98,891,349-98,891,350, GG replaced by TT. VCF-style: chr15-98891349-GG-TT. GRCh37 (hg19) VCF-style: chr15-99434578-GG-TT.
Other names: c.665_666delinsTT, p.Arg222Leu (NM_001291858.2); short protein forms R222L.
Identifiers: ClinVar variation 3729184 (VCV003729184.2).

ClinVar aggregate classification (germline): Uncertain significance (1 of 4 stars; one submission).

Submission:

Labcorp Genetics (formerly Invitae), Labcorp
Classification: Uncertain significance. Last evaluated: 2025-01-19. Review status: criteria provided, single submitter. Criteria: Invitae Variant Classification Sherloc (09022015). Collection method: clinical testing. Allele origin: germline.
Comment: This sequence change replaces arginine, which is basic and polar, with leucine, which is neutral and non-polar, at codon 222 of the IGF1R protein (p.Arg222Leu). Information on the frequency of this variant in the gnomAD database is not available, as this variant may be reported differently in the database. This variant has not been reported in the literature in individuals affected with IGF1R-related conditions. An algorithm developed to predict the effect of missense changes on protein structure and function (PolyPhen-2) suggests that this variant is likely to be tolerated. In summary, the available evidence is currently insufficient to determine the role of this variant in disease. Therefore, it has been classified as a Variant of Uncertain Significance.